The following is an entry in ClinVar:

ClinVar aggregate classification (germline): Pathogenic (1 of 4 stars; one submission).

Allele frequency attached by ClinVar (database versions not stated): TOPMed below 0.00001.

Submission:

Labcorp Genetics (formerly Invitae), Labcorp
Classification: Pathogenic. Last evaluated: 2022-07-06. Review status: criteria provided, single submitter. Criteria: Invitae Variant Classification Sherloc (09022015). Collection method: clinical testing. Allele origin: germline.
Comment: For these reasons, this variant has been classified as Pathogenic. ClinVar contains an entry for this variant (Variation ID: 1420862). This variant has not been reported in the literature in individuals affected with ARMC9-related conditions. This variant is not present in population databases (gnomAD no frequency). This sequence change creates a premature translational stop signal (p.Asp473Glufs*42) in the ARMC9 gene. It is expected to result in an absent or disrupted protein product. Loss-of-function variants in ARMC9 are known to be pathogenic (PMID: 28625504).

Literature cited by the submitters: PubMed 28625504.

NM_001352754.2(ARMC9):c.1418dup (p.Asp473fs)

Gene: ARMC9 (armadillo repeat containing 9; plus strand). Cytogenetic location: 2q37.1.
Variant type: Duplication.
Coding change: c.1418dup on transcript NM_001352754.2 (MANE Select); coding-DNA position 1418, one base duplicated (A; older notation c.1418dupA).
Protein change: p.Asp473fs; shifts the reading frame from aspartic acid 473.
Molecular consequence: frameshift variant. On other transcripts: non-coding transcript variant (1).
Genome position (GRCh38, 1-based): chr2:231,276,719, A duplicated. VCF-style (leftmost placement, unchanged base first): chr2-231276718-G-GA. GRCh37 (hg19) VCF-style: chr2-232141431-G-GA.
Other names: c.1418dup, p.Asp473fs (NM_001271466.4, NM_001291656.2, NM_001352755.2 and 3 more transcripts); c.1319dup, p.Asp440fs (NM_001352757.2, NM_001352758.2); short protein forms D440fs, D473fs.
Identifiers: ClinVar variation 1420862 (VCV001420862.6), dbSNP rs2039791235, ClinGen allele CA1334706610.